The following is an entry in ClinVar:

ClinVar aggregate classification (germline): Pathogenic (1 of 4 stars; one submission).

Submission:

Labcorp Genetics (formerly Invitae), Labcorp
Classification: Pathogenic. Last evaluated: 2022-03-03. Review status: criteria provided, single submitter. Criteria: Invitae Variant Classification Sherloc (09022015). Collection method: clinical testing. Allele origin: germline.
Comment: This variant is also known as c.4317+1del. This variant has not been reported in the literature in individuals affected with COL2A1-related conditions. This variant is not present in population databases (gnomAD no frequency). This sequence change creates a premature translational stop signal (Lys1440Asnfs*31) in the COL2A1 gene. While this is not anticipated to result in nonsense mediated decay, it is expected to disrupt the last 48 amino acid(s) of the COL2A1 protein. For these reasons, this variant has been classified as Pathogenic. This variant disrupts a region of the COL2A1 protein in which other variant(s) (p.Thr1442Argfs*2) have been determined to be pathogenic (Invitae). This suggests that this is a clinically significant region of the protein, and that variants that disrupt it are likely to be disease-causing. Algorithms developed to predict the effect of sequence changes on RNA splicing suggest that this variant may disrupt the consensus splice site.

NM_001844.5(COL2A1):c.4317+1del

Gene: COL2A1 (collagen type II alpha 1 chain; minus strand). Cytogenetic location: 12q13.11.
Variant type: Deletion.
Coding change: c.4317+1del on transcript NM_001844.5 (MANE Select); the canonical splice donor site of the intron after coding-DNA position 4317, one base deleted (G; older notation c.4317+1delG).
Molecular consequence: splice donor variant.
Genome position (GRCh38, 1-based): chr12:47,974,088, C deleted on the plus strand (G on the coding strand, the reverse complement: COL2A1 is on the minus strand); the first of 2 consecutive C bases (chr12:47,974,088-47,974,089); deleting either gives the same sequence. VCF-style (leftmost placement, unchanged base first): chr12-47974087-AC-A. GRCh37 (hg19) VCF-style: chr12-48367870-AC-A.
Other names: c.4110+1del (NM_033150.3).
Identifiers: ClinVar variation 1452813 (VCV001452813.8), dbSNP rs2136504675, ClinGen allele CA2573148570.